The following is an entry in ClinVar:

NM_007055.4(POLR3A):c.3201_3202del (p.Arg1069fs)

Genes: POLR3A (RNA polymerase III subunit A; minus strand), LOC126860970 (BRD4-independent group 4 enhancer GRCh37_chr10:79743812-79745011; plus strand). Cytogenetic location: 10q22.3.
Variant type: Deletion.
Coding change: c.3201_3202del on transcript NM_007055.4 (MANE Select); coding-DNA positions 3201 to 3202, 2 bases deleted (GC; older notation c.3201_3202delGC).
Protein change: p.Arg1069fs; shifts the reading frame from arginine 1069.
Molecular consequence: frameshift variant.
Genome position (GRCh38, 1-based): chr10:77,985,210-77,985,211, GC deleted on the plus strand (GC on the coding strand, the reverse complement: POLR3A is on the minus strand). VCF-style (leftmost placement, unchanged base first): chr10-77985209-GGC-G. GRCh37 (hg19) VCF-style: chr10-79744967-GGC-G.
Other names: short protein forms R1069fs.
Identifiers: ClinVar variation 4855345 (VCV004855345.1).

ClinVar aggregate classification (germline): Pathogenic (1 of 4 stars; one submission).

Conditions:
Leukodystrophy, hypomyelinating, 7, with or without oligodontia and/or hypogonadotropic hypogonadism (HLD7). Also called: LEUKOENCEPHALOPATHY, HYPOMYELINATING, WITH ATAXIA AND DELAYED DENTITION; ATAXIA, DELAYED DENTITION, AND HYPOMYELINATION; LEUKODYSTROPHY, HYPOMYELINATING, 7, WITH OLIGODONTIA; LEUKODYSTROPHY, HYPOMYELINATING, 7, WITH OLIGODONTIA AND HYPOGONADOTROPIC HYPOGONADISM; LEUKODYSTROPHY, HYPOMYELINATING, 7, WITHOUT OLIGODONTIA OR HYPOGONADOTROPIC HYPOGONADISM; Ataxia, Delayed Dentition and Hypomyelination (ADDH). Identifiers: Orphanet 137639, Orphanet 447893, Orphanet 447896, Orphanet 77295, Orphanet 88637, MedGen CN034185, MONDO:0011897, OMIM 607694.

Submission:

3billion
Classification: Pathogenic for Leukodystrophy, hypomyelinating, 7, with or without oligodontia and/or hypogonadotropic hypogonadism. Last evaluated: 2026-01-23. Review status: criteria provided, single submitter. Criteria: ACMG Guidelines, 2015. Collection method: clinical testing. Allele origin: germline. Affected: yes.
Comment: The variant is not observed in the gnomAD v4.1.0 dataset. Predicted Consequence/Location: Frameshift: predicted to result in a loss or disruption of normal protein function through nonsense-mediated decay (NMD) or protein truncation. Multiple pathogenic variants are reported downstream of the variant. The variant has been reported to be associated with POLR3A-related disorder (PMID: 30564185). Therefore, this variant is classified as Pathogenic according to the recommendation of ACMG/AMP guideline.

Literature cited by the submitters: PubMed 30564185.